The following is an entry in ClinVar:

NM_001035.3(RYR2):c.11930A>C (p.Asp3977Ala)

Gene: RYR2 (ryanodine receptor 2; plus strand). Cytogenetic location: 1q43.
Variant type: single nucleotide variant.
Coding change: c.11930A>C on transcript NM_001035.3 (MANE Select); coding-DNA position 11930, A replaced by C.
Protein change: p.Asp3977Ala; replaces aspartic acid 3977 with alanine.
Molecular consequence: missense variant.
Genome position (GRCh38, 1-based): chr1:237,781,614, A>C. VCF-style: chr1-237781614-A-C. GRCh37 (hg19) VCF-style: chr1-237944914-A-C.
Other names: c.11930A>C, p.Asp3977Ala (LRG_402t1); short protein forms D3977A.
Identifiers: ClinVar variation 496087 (VCV000496087.1), dbSNP rs1553321536, ClinGen allele CA345410140.

ClinVar aggregate classification (germline): Uncertain significance (1 of 4 stars; one submission).

Submission:

Women's Health and Genetics/Laboratory Corporation of America, LabCorp
Classification: Uncertain significance. Last evaluated: 2016-08-22. Review status: criteria provided, single submitter. Criteria: LabCorp Variant Classification Summary - May 2015. Collection method: clinical testing. Allele origin: germline.
Comment: Variant summary: The RYR2 c.11930A>C (p.Asp3977Ala) variant involves the alteration of a conserved nucleotide. 4/4 in silico tools predict a damaging outcome for this variant (SNPs&GO not captured due to low reliability index). This variant is absent in 56304 control chromosomes. The variant of interest has not, to our knowledge, been reported in affected individuals via publications and/or reputable databases/clinical diagnostic laboratories; nor evaluated for functional impact by in vivo/vitro studies. Because of the absence of clinical information and the lack of functional studies, the variant is classified as a variant of uncertain significance (VUS) until additional information becomes available.